The following is an entry in ClinVar:

ClinVar aggregate classification (somatic clinical impact): Tier I - Strong. Review status: criteria provided, single submitter (1 of 4 stars). 2 submissions from 1 submitter. Last evaluated 2024-03-04.

Conditions:
Ganglioglioma. Also called: Mixed cell tumors containing both neural ganglionic cells and neural glial cell components. Identifiers: Orphanet 251949, MedGen C0206716, MONDO:0016733, HP:0033664.
Pilocytic astrocytoma. Also called: Pilocytic astrocytoma, somatic. Identifiers: Orphanet 251612, MedGen C0334583, MONDO:0016691, HP:0033680.

Submissions (2):

Institute for Genomic Medicine (IGM) Clinical Laboratory, Nationwide Children's Hospital
Classification: Tier I - Strong for Ganglioglioma. Assertion type: diagnostic. Clinical significance: supports diagnosis. Last evaluated: 2024-03-04. Review status: criteria provided, single submitter. Criteria: AMP/ASCO/CAP Guidelines, 2017. Collection method: clinical testing. Allele origin: somatic. Affected: yes.
Comment: Variant has Tier I (strong) clinical significance as a diagnostic inclusion criterion in ganglioglioma, based on the following evidence: 1) Documented in one or more cancer databases (e.g., St. Jude Pecan, COSMIC, CIViC, OncoKB). 2) Appears in one or more well-established professional guidelines (e.g., World Health Organization [WHO]; National Comprehensive Cancer Network [NCCN]) as providing diagnostic, prognostic, or therapeutic information. 3) Information in the literature supports potential biologic effect of variant (PMIDs: 25202140, 32641410). 4) Diagnostic for a specific tumor type/classification based on well-powered studies with expert-level consensus (Evidence Level B; PMIDs: 23583981, 28912153, 29880043, 31288852, 32399739).

Institute for Genomic Medicine (IGM) Clinical Laboratory, Nationwide Children's Hospital
Classification: Tier I - Strong for Pilocytic astrocytoma. Assertion type: diagnostic. Clinical significance: supports diagnosis. Last evaluated: 2023-12-14. Review status: criteria provided, single submitter. Criteria: AMP/ASCO/CAP Guidelines, 2017. Collection method: clinical testing. Allele origin: somatic. Affected: yes.
Comment: Variant has Tier I (strong) clinical significance as a diagnostic inclusion criterion in pilocytic astrocytoma, based on the following evidence: 1) Documented in one or more cancer databases (e.g., St. Jude Pecan, COSMIC, CIViC, OncoKB). 2) Appears in one or more well-established professional guidelines (e.g., World Health Organization [WHO]; National Comprehensive Cancer Network [NCCN]) as providing diagnostic, prognostic, or therapeutic information. 3) Information in the literature supports potential biologic effect of variant (PMID: 32641410). 4) Diagnostic for a specific tumor type/classification based on well-powered studies with expert-level consensus (Evidence Level B; PMIDs: 32289278, 23583981, 28912153).

Literature cited by the submitters: PubMed 25202140; PubMed 32641410; PubMed 23583981; PubMed 28912153; PubMed 29880043; PubMed 31288852; PubMed 32399739; PubMed 32289278.

NM_002755.4(MAP2K1):c.159_173del (p.Phe53_Gln58delinsLeu)

Gene: MAP2K1 (mitogen-activated protein kinase kinase 1; plus strand). Cytogenetic location: 15q22.31.
Variant type: Deletion.
Coding change: c.159_173del on transcript NM_002755.4 (MANE Select); coding-DNA positions 159 to 173, 15 bases deleted (TCTTACCCAGAAGCA).
Protein change: p.Phe53_Gln58delinsLeu.
Molecular consequence: inframe indel.
Genome position (GRCh38, 1-based): chr15:66,435,105-66,435,119, TCTTACCCAGAAGCA deleted. VCF-style (leftmost placement, unchanged base first): chr15-66435104-TTCTTACCCAGAAGCA-T. GRCh37 (hg19) VCF-style: chr15-66727442-TTCTTACCCAGAAGCA-T.
Other names: c.93_107del, p.Phe31_Gln36delinsLeu (NM_001411065.1).
Identifiers: ClinVar variation 4530448 (VCV004530448.1).